The following is an entry in ClinVar:

NM_001042681.2(RERE):c.4237C>T (p.Pro1413Ser)

Gene: RERE (arginine-glutamic acid dipeptide repeats; minus strand). Cytogenetic location: 1p36.23.
Variant type: single nucleotide variant.
Coding change: c.4237C>T on transcript NM_001042681.2 (MANE Select); coding-DNA position 4237, C replaced by T.
Protein change: p.Pro1413Ser; replaces proline 1413 with serine.
Molecular consequence: missense variant.
Genome position (GRCh38, 1-based): chr1:8,358,298, G>A on the plus strand (C>T on the coding strand, the complement: RERE is on the minus strand). VCF-style: chr1-8358298-G-A. GRCh37 (hg19) VCF-style: chr1-8418358-G-A.
Other names: c.2575C>T, p.Pro859Ser (NM_001042682.2); c.4237C>T, p.Pro1413Ser (NM_012102.4); short protein forms P1413S, P859S.
Identifiers: ClinVar variation 2079658 (VCV002079658.4), dbSNP rs775889822, ClinGen allele CA570862.
Genomic context (GRCh38, chr1:8,358,298, plus strand): 5'-GAATGTGAGAGTGCTGGTGATGGTGCGGAGTCACGTTGAACATCTGCAGTCGGGCCAGGG[G>A]ATCGCTGGTCAGCGATGCCATGCGCTCTGCGTGGATACGCTCGGCTGCCAGTCTGTCAGG-3'
Protein context (NP_001036146.1, residues 1403-1423): AERMASLTSD[Pro1413Ser]LARLQMFNVT

ClinVar aggregate classification (germline): Uncertain significance (1 of 4 stars; one submission).

Allele frequency attached by ClinVar (database versions not stated): gnomAD exomes below 0.00001; ExAC 0.00001.
gnomAD v4.1: 1 of 1,613,658 alleles (0.000062%); highest among the groups gnomAD compares: South Asian, 0.0011%; no homozygotes.

Submission:

Labcorp Genetics (formerly Invitae), Labcorp
Classification: Uncertain significance. Last evaluated: 2024-10-29. Review status: criteria provided, single submitter. Criteria: Invitae Variant Classification Sherloc (09022015). Collection method: clinical testing. Allele origin: germline.
Comment: This sequence change replaces proline, which is neutral and non-polar, with serine, which is neutral and polar, at codon 1413 of the RERE protein (p.Pro1413Ser). This variant is present in population databases (rs775889822, gnomAD 0.003%). This variant has not been reported in the literature in individuals affected with RERE-related conditions. ClinVar contains an entry for this variant (Variation ID: 2079658). Invitae Evidence Modeling of protein sequence and biophysical properties (such as structural, functional, and spatial information, amino acid conservation, physicochemical variation, residue mobility, and thermodynamic stability) has been performed for this missense variant. However, the output from this modeling did not meet the statistical confidence thresholds required to predict the impact of this variant on RERE protein function. In summary, the available evidence is currently insufficient to determine the role of this variant in disease. Therefore, it has been classified as a Variant of Uncertain Significance.